The following is an entry in ClinVar:

ClinVar aggregate classification (germline): Pathogenic. Review status: criteria provided, multiple submitters, no conflicts (2 of 4 stars). 2 submissions from 2 submitters: Pathogenic (2). Last evaluated 2025-05-22.

Conditions:
ENG-related disorder. Also called: ENG-related condition; ENG-related disorders.
Hereditary hemorrhagic telangiectasia (HHT). Also called: Osler hemorrhagic telangiectasia syndrome; ORW DISEASE; Osler Weber Rendu syndrome; OSLER-RENDU-WEBER DISEASE. Identifiers: Orphanet 774, MedGen C0039445, MONDO:0019180. Disease mechanism: loss of function.

Submissions (2):

Labcorp Genetics (formerly Invitae), Labcorp
Classification: Pathogenic for Hereditary hemorrhagic telangiectasia. Last evaluated: 2025-05-22. Review status: criteria provided, single submitter. Criteria: Invitae Variant Classification Sherloc (09022015). Collection method: clinical testing. Allele origin: germline.
Comment: This sequence change creates a premature translational stop signal (p.Gln508*) in the ENG gene. It is expected to result in an absent or disrupted protein product. Loss-of-function variants in ENG are known to be pathogenic (PMID: 15879500). This variant is not present in population databases (gnomAD no frequency). This premature translational stop signal has been observed in individual(s) with hereditary hemorrhagic telangiectasia (PMID: 15024723). ClinVar contains an entry for this variant (Variation ID: 2637077). For these reasons, this variant has been classified as Pathogenic.

PreventionGenetics, part of Exact Sciences
Classification: Pathogenic for ENG-related condition. Last evaluated: 2022-10-21. Review status: criteria provided, single submitter. Criteria: ACMG Guidelines, 2015. Collection method: clinical testing. Allele origin: germline.
Comment: The ENG c.1522C>T variant is predicted to result in premature protein termination (p.Gln508*). This variant was reported in an individual with hereditary haemorrhagic telangiectasia (Patient 26995 in Lesca et al 2004. PubMed ID: 15024723). This variant has not been reported in a large population database, indicating this variant is rare. Nonsense variants in ENG are expected to be pathogenic. This variant is interpreted as pathogenic.

Literature cited by the submitters: PubMed 15879500 (cited by Labcorp Genetics (formerly Invitae), Labcorp); PubMed 15024723 (cited by Labcorp Genetics (formerly Invitae), Labcorp).

NM_001114753.3(ENG):c.1522C>T (p.Gln508Ter)

Genes: ENG (endoglin; minus strand), LOC102723566 (uncharacterized LOC102723566; plus strand). Cytogenetic location: 9q34.11.
Variant type: single nucleotide variant.
Coding change: c.1522C>T on transcript NM_001114753.3 (MANE Select); coding-DNA position 1522, C replaced by T.
Protein change: p.Gln508Ter; replaces glutamine 508 with a stop codon.
Molecular consequence: nonsense.
Genome position (GRCh38, 1-based): chr9:127,818,284, G>A on the plus strand (C>T on the coding strand, the complement: ENG is on the minus strand). VCF-style: chr9-127818284-G-A. GRCh37 (hg19) VCF-style: chr9-130580563-G-A.
Other names: c.1522C>T, p.Gln508Ter (NM_000118.4); c.976C>T, p.Gln326Ter (NM_001278138.2); short protein forms Q326*, Q508*.
Identifiers: ClinVar variation 2637077 (VCV002637077.2), dbSNP rs2539059621, ClinGen allele CA374975723.